The following is an entry in ClinVar:

ClinVar aggregate classification (germline): Uncertain significance. Review status: criteria provided, single submitter (1 of 4 stars). 2 submissions from 2 submitters: Uncertain significance (1). 1 of the submissions does not count toward it. Last evaluated 2016-06-20.

Conditions:
Fanconi anemia (FA). Also called: Fanconi's anemia. Identifiers: Orphanet 84, MedGen C0015625, MeSH D005199, MONDO:0019391.

Submissions (2):

GeneDx
Classification: Uncertain significance. Last evaluated: 2016-06-20. Review status: criteria provided, single submitter. Criteria: GeneDx Variant Classification (06012015). Collection method: clinical testing. Allele origin: germline. Affected: yes.
Comment: This variant is denoted FANCC c.934A>C at the cDNA level, p.Ile312Leu (I312L) at the protein level, and results in the change of an Isoleucine to a Leucine (ATA>CTA). This variant has not, to our knowledge, been published in the literature as pathogenic or benign. FANCC Ile312Leu was not observed in approximately 6,500 individuals of European and African American ancestry in the NHLBI Exome Sequencing Project, suggesting it is not a common benign variant in these populations. Since Isoleucine and Leucine share similar properties, this is considered a conservative amino acid substitution. FANCC Ile312Leu occurs at a position that is not conserved and is located in the region of interaction with Hsp70 (Gordon 2000). In silico analyses predict that this variant is unlikely to alter protein structure or function. Based on currently available evidence, it is unclear whether FANCC Ile312Leu is a pathogenic or benign variant. We consider it to be a variant of uncertain significance.

Natera, Inc.
Classification: Uncertain significance for Fanconi anemia. Last evaluated: 2025-05-16. Review status: no assertion criteria provided. Collection method: clinical testing. Allele origin: germline. Not counted in ClinVar's aggregate classification.

NM_000136.3(FANCC):c.934A>C (p.Ile312Leu)

Genes: AOPEP (aminopeptidase O (putative); plus strand), FANCC (FA complementation group C; minus strand). Cytogenetic location: 9q22.32.
Variant type: single nucleotide variant.
Coding change: c.934A>C on transcript NM_000136.3 (MANE Select); coding-DNA position 934, A replaced by C.
Protein change: p.Ile312Leu; replaces isoleucine 312 with leucine.
Molecular consequence: missense variant.
Genome position (GRCh38, 1-based): chr9:95,125,148, T>G on the plus strand (A>C on the coding strand, the complement: FANCC is on the minus strand). VCF-style: chr9-95125148-T-G. GRCh37 (hg19) VCF-style: chr9-97887430-T-G.
Other names: c.934A>C, p.Ile312Leu (NM_001243743.2, NM_001243744.2); short protein forms I312L.
Identifiers: ClinVar variation 421489 (VCV000421489.3), dbSNP rs1800366, ClinGen allele CA16618883.
Genomic context (GRCh38, chr9:95,125,148, plus strand): 5'-GCTTGCTTGCTTTCTCCAGAGCTTCTACAAAGCACTGCGTAAACACCTGAATAGTGGCTA[T>G]GATTTCCAGGGCCCCATCGGTTTCCAGGAGTGCACACCTGAACAATGCAAAGTCAGATCA-3'
Protein context (NP_000127.2, residues 302-322): LLETDGALEI[Ile312Leu]ATIQVFTQCF